The following is an entry in ClinVar:

NM_172240.3(POC1B):c.1285A>G (p.Thr429Ala)

Genes: POC1B (POC1 centriolar protein B; minus strand), POC1B-DUSP6 (POC1B-DUSP6 readthrough; minus strand). Cytogenetic location: 12q21.33.
Variant type: single nucleotide variant.
Coding change: c.1285A>G on transcript NM_172240.3 (MANE Select); coding-DNA position 1285, A replaced by G.
Protein change: p.Thr429Ala; replaces threonine 429 with alanine.
Molecular consequence: missense variant. On other transcripts: non-coding transcript variant (2).
Genome position (GRCh38, 1-based): chr12:89,425,208, T>C on the plus strand (A>G on the coding strand, the complement: POC1B is on the minus strand). VCF-style: chr12-89425208-T-C. GRCh37 (hg19) VCF-style: chr12-89818985-T-C.
Other names: c.1159A>G, p.Thr387Ala (NM_001199777.2); short protein forms T387A, T429A.
Identifiers: ClinVar variation 1051551 (VCV001051551.9), dbSNP rs553428980, ClinGen allele CA6714215.

ClinVar aggregate classification (germline): Conflicting classifications of pathogenicity. Review status: criteria provided, conflicting classifications (1 of 4 stars). 3 submissions from 3 submitters: Uncertain significance (2); Likely benign (1). Last evaluated 2024-09-10.

Conditions:
Cone-rod dystrophy 20 (CORD20). Identifiers: Orphanet 1872, MedGen C4014856, MONDO:0014427, OMIM 615973.

Allele frequency attached by ClinVar (database versions not stated): TOPMed 0.00003; gnomAD 0.00006 and 0.00008; gnomAD exomes 0.00006 and 0.00008; ExAC 0.00007; 1000 Genomes Project 30x 0.00031; 1000 Genomes Project 0.00040.
gnomAD v4.1: 96 of 1,614,188 alleles (0.0059%); highest among the groups gnomAD compares: East Asian, 0.04%; no homozygotes.

Submissions (3):

Blueprint Genetics
Classification: Likely benign. Last evaluated: 2024-09-10. Review status: criteria provided, single submitter. Criteria: ACMG Guidelines, 2015. Collection method: clinical testing. Allele origin: germline.

Fulgent Genetics
Classification: Uncertain significance for Cone-rod dystrophy 20. Last evaluated: 2024-02-07. Review status: criteria provided, single submitter. Criteria: ACMG Guidelines, 2015. Collection method: clinical testing. Allele origin: germline.

Labcorp Genetics (formerly Invitae), Labcorp
Classification: Uncertain significance. Last evaluated: 2022-07-26. Review status: criteria provided, single submitter. Criteria: Invitae Variant Classification Sherloc (09022015). Collection method: clinical testing. Allele origin: germline.
Comment: This sequence change replaces threonine, which is neutral and polar, with alanine, which is neutral and non-polar, at codon 429 of the POC1B protein (p.Thr429Ala). This variant is present in population databases (rs553428980, gnomAD 0.05%). This variant has not been reported in the literature in individuals affected with POC1B-related conditions. ClinVar contains an entry for this variant (Variation ID: 1051551). Algorithms developed to predict the effect of missense changes on protein structure and function (SIFT, PolyPhen-2, Align-GVGD) all suggest that this variant is likely to be tolerated. In summary, the available evidence is currently insufficient to determine the role of this variant in disease. Therefore, it has been classified as a Variant of Uncertain Significance.